The following is an entry in ClinVar:

NM_032043.3(BRIP1):c.1352C>T (p.Ala451Val)

Gene: BRIP1 (BRCA1 interacting DNA helicase 1; minus strand). Cytogenetic location: 17q23.2.
Variant type: single nucleotide variant.
Coding change: c.1352C>T on transcript NM_032043.3 (MANE Select); coding-DNA position 1352, C replaced by T.
Protein change: p.Ala451Val; replaces alanine 451 with valine.
Molecular consequence: missense variant.
Genome position (GRCh38, 1-based): chr17:61,793,718, G>A on the plus strand (C>T on the coding strand, the complement: BRIP1 is on the minus strand). VCF-style: chr17-61793718-G-A. GRCh37 (hg19) VCF-style: chr17-59871079-G-A.
Other names: short protein forms A451V.
Identifiers: ClinVar variation 856241 (VCV000856241.18), dbSNP rs771861055, ClinGen allele CA8690752.

ClinVar aggregate classification (germline): Uncertain significance. Review status: criteria provided, multiple submitters, no conflicts (2 of 4 stars). 6 submissions from 6 submitters: Uncertain significance (5). 1 of the submissions does not count toward it. Last evaluated 2025-10-03.

Conditions:
Hereditary cancer-predisposing syndrome. Also called: Hereditary neoplastic syndrome; Tumor predisposition; Neoplastic Syndromes, Hereditary; Hereditary Cancer Syndrome. Identifiers: Orphanet 140162, MedGen C0027672, MeSH D009386, MONDO:0015356.
Fanconi anemia complementation group J. Also called: BRIP1-Related Fanconi Anemia. Identifiers: Orphanet 84, MedGen C1836860, MONDO:0012187, OMIM 609054.
Familial cancer of breast. Also called: hereditary breast carcinoma; BREAST CANCER, FAMILIAL; Hereditary breast cancer. Identifiers: Orphanet 227535, MedGen C0346153, MONDO:0016419, OMIM 114480. Disease mechanism: loss of function.

Allele frequency attached by ClinVar (database versions not stated): gnomAD exomes below 0.00001; ExAC 0.00001.
gnomAD v4.1: 5 of 1,610,084 alleles (0.00031%); highest among the groups gnomAD compares: East Asian, 0.011%; no homozygotes.

Submissions (6):

Ambry Genetics
Classification: Uncertain significance for Hereditary cancer-predisposing syndrome. Last evaluated: 2025-10-03. Review status: criteria provided, single submitter. Criteria: Ambry Variant Classification Scheme 2023. Collection method: clinical testing. Allele origin: germline.
Comment: The p.A451V variant (also known as c.1352C>T), located in coding exon 9 of the BRIP1 gene, results from a C to T substitution at nucleotide position 1352. The alanine at codon 451 is replaced by valine, an amino acid with similar properties. This amino acid position is not well conserved in available vertebrate species. In addition, this alteration is predicted to be tolerated by in silico analysis. Since supporting evidence is limited at this time, the clinical significance of this alteration remains unclear.

Labcorp Genetics (formerly Invitae), Labcorp
Classification: Uncertain significance for Familial cancer of breast; Fanconi anemia complementation group J. Last evaluated: 2025-10-03. Review status: criteria provided, single submitter. Criteria: Invitae Variant Classification Sherloc (09022015). Collection method: clinical testing. Allele origin: germline.
Comment: This sequence change replaces alanine, which is neutral and non-polar, with valine, which is neutral and non-polar, at codon 451 of the BRIP1 protein (p.Ala451Val). This variant is present in population databases (rs771861055, gnomAD 0.006%). This missense change has been observed in individual(s) with prostate cancer (PMID: 31214711). ClinVar contains an entry for this variant (Variation ID: 856241). Invitae Evidence Modeling of protein sequence and biophysical properties (such as structural, functional, and spatial information, amino acid conservation, physicochemical variation, residue mobility, and thermodynamic stability) indicates that this missense variant is not expected to disrupt BRIP1 protein function with a negative predictive value of 95%. In summary, the available evidence is currently insufficient to determine the role of this variant in disease. Therefore, it has been classified as a Variant of Uncertain Significance.

Department of Pathology and Laboratory Medicine, Sinai Health System
Classification: Uncertain significance for Familial cancer of breast. Last evaluated: 2024-09-17. Review status: criteria provided, single submitter. Criteria: ACMG Guidelines, 2015. Collection method: clinical testing. Allele origin: germline. Affected: yes.

Women's Health and Genetics/Laboratory Corporation of America, LabCorp
Classification: Uncertain significance. Last evaluated: 2020-02-07. Review status: criteria provided, single submitter. Criteria: LabCorp Variant Classification Summary - May 2015. Collection method: clinical testing. Allele origin: germline.
Comment: Variant summary: BRIP1 c.1352C>T (p.Ala451Val) results in a non-conservative amino acid change in the encoded protein sequence. Four of five in-silico tools predict a benign effect of the variant on protein function. This variant was found in 15/283830 control chromosomes(gnomAD and literature), predominantly observed in individuals of Japanese origin at a frequency of 0.00039 (14/36282). The frequency in Japanese controls is approximately 6 times the estimated maximal expected allele frequency of a pathogenic BRIP1 variant (0.000063), suggesting this is likely a benign polymorphism found primarily in the populations of Japanese origin. c.1352C>T has been reported in the literature in individuals affected with prostate cancer and one individual affected with colon cancer along with another pathogenic variant APC c.694C>T (p.Arg232Ter) (Monozawa_2019, Kim_2019). These reports do not provide unequivocal conclusions about association of the variant with Breast Cancer. To our knowledge, no experimental evidence demonstrating an impact on protein function has been reported. No clinical diagnostic laboratories have submitted clinical-significance assessments for this variant to ClinVar after 2014. Based on the evidence outlined above, the variant was classified as VUS-possibly benign.

Color Diagnostics, LLC DBA Color Health
Classification: Uncertain significance for Hereditary cancer-predisposing syndrome. Last evaluated: 2019-03-27. Review status: criteria provided, single submitter. Criteria: ACMG Guidelines, 2015. Collection method: clinical testing. Allele origin: germline.

Leiden Open Variation Database
Classification: Uncertain significance. Last evaluated: 2019-08-13. Review status: no assertion criteria provided. Collection method: curation. Allele origin: germline. Affected: yes. Not counted in ClinVar's aggregate classification.
Comment: Curator: Arleen D. Auerbach. Submitter to LOVD: Yukihide Momozawa.

Literature cited by the submitters: PubMed 31214711 (cited by 4 submitters); PubMed 31269945 (cited by Department of Pathology and Laboratory Medicine, Sinai Health System and Women's Health and Genetics/Laboratory Corporation of America, LabCorp).